The following is an entry in ClinVar:

ClinVar aggregate classification (germline): Uncertain significance (1 of 4 stars; one submission).

Allele frequency attached by ClinVar (database versions not stated): gnomAD exomes below 0.00001; gnomAD 0.00001; TOPMed 0.00001.
gnomAD v4.1: 6 of 1,614,018 alleles (0.00037%); highest among the groups gnomAD compares: African/African-American, 0.0013%; no homozygotes.

Submission:

Labcorp Genetics (formerly Invitae), Labcorp
Classification: Uncertain significance. Last evaluated: 2024-04-25. Review status: criteria provided, single submitter. Criteria: Invitae Variant Classification Sherloc (09022015). Collection method: clinical testing. Allele origin: germline.
Comment: This sequence change replaces isoleucine, which is neutral and non-polar, with methionine, which is neutral and non-polar, at codon 745 of the ANK3 protein (p.Ile745Met). This variant is not present in population databases (gnomAD no frequency). This variant has not been reported in the literature in individuals affected with ANK3-related conditions. ClinVar contains an entry for this variant (Variation ID: 2181690). Advanced modeling of protein sequence and biophysical properties (such as structural, functional, and spatial information, amino acid conservation, physicochemical variation, residue mobility, and thermodynamic stability) performed at Invitae indicates that this missense variant is not expected to disrupt ANK3 protein function with a negative predictive value of 80%. In summary, the available evidence is currently insufficient to determine the role of this variant in disease. Therefore, it has been classified as a Variant of Uncertain Significance.

NM_020987.5(ANK3):c.2235T>G (p.Ile745Met)

Gene: ANK3 (ankyrin 3; minus strand). Cytogenetic location: 10q21.2.
Variant type: single nucleotide variant.
Coding change: c.2235T>G on transcript NM_020987.5 (MANE Select); coding-DNA position 2235, T replaced by G.
Protein change: p.Ile745Met; replaces isoleucine 745 with methionine.
Molecular consequence: missense variant.
Genome position (GRCh38, 1-based): chr10:60,173,136, A>C on the plus strand (T>G on the coding strand, the complement: ANK3 is on the minus strand). VCF-style: chr10-60173136-A-C. GRCh37 (hg19) VCF-style: chr10-61932894-A-C.
Other names: c.2217T>G, p.Ile739Met (NM_001204403.2); c.2184T>G, p.Ile728Met (NM_001204404.2); c.2235T>G, p.Ile745Met (NM_001320874.2); short protein forms I745M, I739M, I728M.
Identifiers: ClinVar variation 2181690 (VCV002181690.4), dbSNP rs1219424163, ClinGen allele CA376986073.